The following is an entry in ClinVar:

ClinVar aggregate classification (germline): Likely benign (1 of 4 stars; one submission).

Allele frequency attached by ClinVar (database versions not stated): gnomAD exomes 0.00001.
gnomAD v4.1: 13 of 1,614,044 alleles (0.00081%); highest among the groups gnomAD compares: Middle Eastern, 0.016%; no homozygotes.

Submission:

CeGaT Center for Human Genetics Tuebingen
Classification: Likely benign. Last evaluated: 2022-04-01. Review status: criteria provided, single submitter. Criteria: CeGaT Center For Human Genetics Tuebingen Variant Classification Criteria Version 2. Collection method: clinical testing. Allele origin: germline. Affected: yes. Observed: 1 variant allele.
Comment: PCDHGB5: PM2:Supporting, BP4, BP7

NM_018925.3(PCDHGB5):c.2241C>T (p.Ser747=)

Genes: PCDHG@ (protocadherin gamma cluster; plus strand), PCDHGA1 (protocadherin gamma subfamily A, 1; plus strand), PCDHGA2 (protocadherin gamma subfamily A, 2; plus strand), PCDHGA3 (protocadherin gamma subfamily A, 3; plus strand), PCDHGA4 (protocadherin gamma subfamily A, 4; plus strand) and 9 more. Cytogenetic location: 5q31.3.
Variant type: single nucleotide variant.
Coding change: c.2241C>T on transcript NM_018925.3 (MANE Select); coding-DNA position 2241, C replaced by T.
Protein change: p.Ser747=; no amino-acid change (serine 747 retained).
Molecular consequence: synonymous variant. On other transcripts: intron variant (12).
Genome position (GRCh38, 1-based): chr5:141,400,368, C>T. VCF-style: chr5-141400368-C-T. GRCh37 (hg19) VCF-style: chr5-140779935-C-T.
Other names: c.2241C>T, p.Ser747= (NM_032099.1); c.2421+67263C>T (NM_018912.3); c.2424+58973C>T (NM_018915.4); c.2424+53911C>T (NM_018916.4); c.2409+47699C>T (NM_018922.3); c.2514+42747C>T (NM_018917.4); c.2421+37812C>T (NM_018923.3); c.2421+33617C>T (NM_018918.3); and 5 more.
Identifiers: ClinVar variation 2655854 (VCV002655854.24), dbSNP rs2484506002, ClinGen allele CA2675675059.